The following is an entry in ClinVar:

NM_021930.6(RINT1):c.1483A>C (p.Asn495His)

Gene: RINT1 (RAD50 interactor 1; plus strand). Cytogenetic location: 7q22.3.
Variant type: single nucleotide variant.
Coding change: c.1483A>C on transcript NM_021930.6 (MANE Select); coding-DNA position 1483, A replaced by C.
Protein change: p.Asn495His; replaces asparagine 495 with histidine.
Molecular consequence: missense variant.
Genome position (GRCh38, 1-based): chr7:105,555,039, A>C. VCF-style: chr7-105555039-A-C. GRCh37 (hg19) VCF-style: chr7-105195486-A-C.
Other names: c.1249A>C, p.Asn417His (NM_001346599.2); c.460A>C, p.Asn154His (NM_001346600.2, NM_001346603.2); c.559A>C, p.Asn187His (NM_001346601.2); short protein forms N154H, N417H, N187H, N495H.
Identifiers: ClinVar variation 3433547 (VCV003433547.1).

ClinVar aggregate classification (germline): Uncertain significance (1 of 4 stars; one submission).

gnomAD v4.1: 1 of 1,613,606 alleles (0.000062%); highest among the groups gnomAD compares: Non-Finnish European, 0.000085%; no homozygotes.

Submission:

Ambry Genetics
Classification: Uncertain significance. Last evaluated: 2024-08-12. Review status: criteria provided, single submitter. Criteria: Ambry Variant Classification Scheme 2023. Collection method: clinical testing. Allele origin: germline.
Comment: The p.N495H variant (also known as c.1483A>C), located in coding exon 11 of the RINT1 gene, results from an A to C substitution at nucleotide position 1483. The asparagine at codon 495 is replaced by histidine, an amino acid with similar properties. This amino acid position is conserved. In addition, this alteration is predicted to be tolerated by in silico analysis. Based on the available evidence, the clinical significance of this variant remains unclear.